The following is an entry in ClinVar:

NM_000038.6(APC):c.3455A>G (p.Gln1152Arg)

Gene: APC (APC regulator of Wnt signaling pathway; plus strand). Cytogenetic location: 5q22.2.
Variant type: single nucleotide variant.
Coding change: c.3455A>G on transcript NM_000038.6 (MANE Select); coding-DNA position 3455, A replaced by G.
Protein change: p.Gln1152Arg; replaces glutamine 1152 with arginine.
Molecular consequence: missense variant.
Genome position (GRCh38, 1-based): chr5:112,839,049, A>G. VCF-style: chr5-112839049-A-G. GRCh37 (hg19) VCF-style: chr5-112174746-A-G.
Other names: c.3455A>G, p.Gln1152Arg (NM_001127510.3, NM_001354895.2); c.3401A>G, p.Gln1134Arg (NM_001127511.3); c.3509A>G, p.Gln1170Arg (NM_001354896.2); c.3485A>G, p.Gln1162Arg (NM_001354897.2); c.3380A>G, p.Gln1127Arg (NM_001354898.2); c.3371A>G, p.Gln1124Arg (NM_001354899.2); c.3332A>G, p.Gln1111Arg (NM_001354900.2); c.3278A>G, p.Gln1093Arg (NM_001354901.2); and 6 more; short protein forms Q1026R, Q1051R, Q1170R, Q992R, Q1111R, Q1124R, Q1127R, Q1152R.
Identifiers: ClinVar variation 1047571 (VCV001047571.11), dbSNP rs1187714969, ClinGen allele CA16028911.
Genomic context (GRCh38, chr5:112,839,049, plus strand): 5'-AAGATGACTATGAAGATGATAAGCCTACCAATTATAGTGAACGTTACTCTGAAGAAGAAC[A>G]GCATGAAGAAGAAGAGAGACCAACAAATTATAGCATAAAATATAATGAAGAGAAACGTCA-3'
Protein context (NP_000029.2, residues 1142-1162): NYSERYSEEE[Gln1152Arg]HEEEERPTNY

ClinVar aggregate classification (germline): Uncertain significance. Review status: criteria provided, multiple submitters, no conflicts (2 of 4 stars). 2 submissions from 2 submitters: Uncertain significance (2). Last evaluated 2025-10-25.

Conditions:
Hereditary cancer-predisposing syndrome. Also called: Hereditary Cancer Syndrome; Tumor predisposition; Hereditary neoplastic syndrome; Neoplastic Syndromes, Hereditary. Identifiers: Orphanet 140162, MedGen C0027672, MeSH D009386, MONDO:0015356.
Familial adenomatous polyposis 1 (FAP1). Also called: POLYPOSIS, ADENOMATOUS INTESTINAL; FAMILIAL ADENOMATOUS POLYPOSIS 1, ATTENUATED. Identifiers: MedGen C2713442, MONDO:0021056, OMIM 175100. Disease mechanism: loss of function.

gnomAD v4.1: 1 of 1,614,120 alleles (0.000062%); no homozygotes.

Submissions (2):

Labcorp Genetics (formerly Invitae), Labcorp
Classification: Uncertain significance for Familial adenomatous polyposis 1. Last evaluated: 2025-10-25. Review status: criteria provided, single submitter. Criteria: Invitae Variant Classification Sherloc (09022015). Collection method: clinical testing. Allele origin: germline.
Comment: This sequence change replaces glutamine, which is neutral and polar, with arginine, which is basic and polar, at codon 1152 of the APC protein (p.Gln1152Arg). This variant is not present in population databases (gnomAD no frequency). This variant has not been reported in the literature in individuals affected with APC-related conditions. ClinVar contains an entry for this variant (Variation ID: 1047571). Invitae Evidence Modeling of protein sequence and biophysical properties (such as structural, functional, and spatial information, amino acid conservation, physicochemical variation, residue mobility, and thermodynamic stability) indicates that this missense variant is not expected to disrupt APC protein function with a negative predictive value of 95%. In summary, the available evidence is currently insufficient to determine the role of this variant in disease. Therefore, it has been classified as a Variant of Uncertain Significance.

Ambry Genetics
Classification: Uncertain significance for Hereditary cancer-predisposing syndrome. Last evaluated: 2025-06-13. Review status: criteria provided, single submitter. Criteria: Ambry Variant Classification Scheme 2023. Collection method: clinical testing. Allele origin: germline.
Comment: The p.Q1152R variant (also known as c.3455A>G), located in coding exon 15 of the APC gene, results from an A to G substitution at nucleotide position 3455. The glutamine at codon 1152 is replaced by arginine, an amino acid with highly similar properties. This amino acid position is conserved. In addition, in silico predictors for this gene do not accurately predict pathogenicity. Based on the available evidence, the clinical significance of this variant remains unclear.